The following is an entry in ClinVar:

ClinVar aggregate classification (germline): Uncertain significance (1 of 4 stars; one submission).

Conditions:
Cardiovascular phenotype. Identifiers: MedGen CN230736.

Submission:

Ambry Genetics
Classification: Uncertain significance for Cardiovascular phenotype. Last evaluated: 2023-02-16. Review status: criteria provided, single submitter. Criteria: Ambry Variant Classification Scheme 2023. Collection method: clinical testing. Allele origin: germline.
Comment: The p.K509E variant (also known as c.1525A>G), located in coding exon 15 of the ANK2 gene, results from an A to G substitution at nucleotide position 1525. The lysine at codon 509 is replaced by glutamic acid, an amino acid with similar properties. This amino acid position is conserved. In addition, this alteration is predicted to be deleterious by in silico analysis. Since supporting evidence is limited at this time, the clinical significance of this alteration remains unclear.

NM_001148.6(ANK2):c.1525A>G (p.Lys509Glu)

Gene: ANK2 (ankyrin 2; plus strand). Cytogenetic location: 4q26.
Variant type: single nucleotide variant.
Coding change: c.1525A>G on transcript NM_001148.6 (MANE Select); coding-DNA position 1525, A replaced by G.
Protein change: p.Lys509Glu; replaces lysine 509 with glutamic acid.
Molecular consequence: missense variant.
Genome position (GRCh38, 1-based): chr4:113,274,491, A>G. VCF-style: chr4-113274491-A-G. GRCh37 (hg19) VCF-style: chr4-114195647-A-G.
Other names: c.1462A>G, p.Lys488Glu (NM_001127493.3, NM_001354239.2, NM_001354243.2 and 14 more transcripts); c.1525A>G, p.Lys509Glu (NM_001354225.2, NM_001354228.2, NM_001354232.2 and 8 more transcripts); c.1570A>G, p.Lys524Glu (NM_001354230.2, NM_001354231.2, NM_001354237.2 and 5 more transcripts); c.1438A>G, p.Lys480Glu (NM_001354249.2, NM_001354260.2, NM_001354264.2 and 13 more transcripts); c.1483A>G, p.Lys495Glu (NM_001354261.2, NM_001386147.1, NM_001386160.1); c.1315A>G, p.Lys439Glu (NM_001354269.3); c.1327A>G, p.Lys443Glu (NM_001354273.2); c.1240A>G, p.Lys414Glu (NM_001354277.2, NM_001386157.1, NM_001386158.1); and 4 more; short protein forms K480E, K495E, K439E, K443E, K497E, K414E, K488E, K524E.
Identifiers: ClinVar variation 2450652 (VCV002450652.2), dbSNP rs2153688130, ClinGen allele CA357906697.
Genomic context (GRCh38, chr4:113,274,491, plus strand): 5'-TTTACTTGGCTTGAGTTGTAGGAGGAACAGACACCTTTACATATTGCCTCCCGCCTGGGT[A>G]AGACAGAAATTGTCCAGCTGCTTCTACAACATATGGCTCATCCAGATGCGGCCACTACAA-3'
Protein context (NP_001139.3, residues 499-519): TPLHIASRLG[Lys509Glu]TEIVQLLLQH